The following is an entry in ClinVar:

ClinVar aggregate classification (germline): Likely benign. Review status: criteria provided, multiple submitters, no conflicts (2 of 4 stars). 2 submissions from 2 submitters: Likely benign (2). Last evaluated 2024-10-21.

Allele frequency attached by ClinVar (database versions not stated): gnomAD 0.00004; gnomAD exomes 0.00004; TOPMed 0.00005; ExAC 0.00007; ESP Exome Variant Server 0.00016.

Submissions (2):

Labcorp Genetics (formerly Invitae), Labcorp
Classification: Likely benign. Last evaluated: 2024-10-21. Review status: criteria provided, single submitter. Criteria: Invitae Variant Classification Sherloc (09022015). Collection method: clinical testing. Allele origin: germline.

CeGaT Center for Human Genetics Tuebingen
Classification: Likely benign. Last evaluated: 2024-02-01. Review status: criteria provided, single submitter. Criteria: CeGaT Center For Human Genetics Tuebingen Variant Classification Criteria Version 2. Collection method: clinical testing. Allele origin: germline. Affected: yes. Observed: 1 variant allele.
Comment: FREM1: BP4

NM_001379081.2(FREM1):c.3138C>T (p.Asn1046=)

Gene: FREM1 (FRAS1 related extracellular matrix 1; minus strand). Cytogenetic location: 9p22.3.
Variant type: single nucleotide variant.
Coding change: c.3138C>T on transcript NM_001379081.2 (MANE Select); coding-DNA position 3138, C replaced by T.
Protein change: p.Asn1046=; no amino-acid change (asparagine 1046 retained).
Molecular consequence: synonymous variant. On other transcripts: non-coding transcript variant (2).
Genome position (GRCh38, 1-based): chr9:14,806,797, G>A on the plus strand (C>T on the coding strand, the complement: FREM1 is on the minus strand). VCF-style: chr9-14806797-G-A. GRCh37 (hg19) VCF-style: chr9-14806795-G-A.
Other names: c.3138C>T, p.Asn1046= (NM_144966.7).
Identifiers: ClinVar variation 2174149 (VCV002174149.26), dbSNP rs377272460, ClinGen allele CA4990673.